The following is an entry in ClinVar:

NM_000051.4(ATM):c.2989G>A (p.Val997Ile)

Gene: ATM (ATM serine/threonine kinase; plus strand). Cytogenetic location: 11q22.3.
Variant type: single nucleotide variant.
Coding change: c.2989G>A on transcript NM_000051.4 (MANE Select); coding-DNA position 2989, G replaced by A.
Protein change: p.Val997Ile; replaces valine 997 with isoleucine.
Molecular consequence: missense variant.
Genome position (GRCh38, 1-based): chr11:108,271,318, G>A. VCF-style: chr11-108271318-G-A. GRCh37 (hg19) VCF-style: chr11-108142045-G-A.
Other names: c.2989G>A, p.Val997Ile (NM_001351834.2); short protein forms V997I.
Identifiers: ClinVar variation 578134 (VCV000578134.21), dbSNP rs1487902875, ClinGen allele CA382547350.

ClinVar aggregate classification (germline): Conflicting classifications of pathogenicity. Review status: criteria provided, conflicting classifications (1 of 4 stars). 5 submissions from 5 submitters: Uncertain significance (4); Likely benign (1). Last evaluated 2025-02-16.

Conditions:
Ataxia-telangiectasia syndrome (AT). Also called: Cerebello-oculocutaneous telangiectasia; Immunodeficiency with ataxia telangiectasia; Ataxia telangiectasia (A-T); Ataxia-telangiectasia, complementation group E; LOUIS-BAR SYNDROME; Ataxia-telangiectasia. Identifiers: Orphanet 100, MedGen C0004135, MONDO:0008840, OMIM 208900.
Hereditary cancer-predisposing syndrome. Also called: Hereditary neoplastic syndrome; Tumor predisposition; Hereditary Cancer Syndrome; Neoplastic Syndromes, Hereditary. Identifiers: Orphanet 140162, MedGen C0027672, MeSH D009386, MONDO:0015356.

Allele frequency attached by ClinVar (database versions not stated): gnomAD exomes below 0.00001.
gnomAD v4.1: 2 of 1,613,304 alleles (0.00012%); highest among the groups gnomAD compares: Admixed American, 0.0017%; no homozygotes.

Submissions (5):

Catlab - Consorci Sanitari de Terrassa
Classification: Uncertain significance for Hereditary cancer-predisposing syndrome. Last evaluated: 2025-02-16. Review status: criteria provided, single submitter. Criteria: ClinGen HBOP ACMG Specifications ATM Version1_3. Collection method: clinical testing. Allele origin: germline.
Comment: Based on the currently available information, this variant is classified as Variant of Uncertain Significance according to ClinGen-ATM v1.3.0 guidelines. ACMG criteria: PM2_supp, BP4.

Molecular Diagnostics Laboratory, Catalan Institute of Oncology
Classification: Uncertain significance for Hereditary cancer-predisposing syndrome. Last evaluated: 2024-10-08. Review status: criteria provided, single submitter. Criteria: ClinGen ACMG Specifications ATM V1.1.0. Collection method: clinical testing. Allele origin: germline.
Comment: PM2_Supporting, BP4 c.2989G>A located in exon 20 of the ATM gene, is predicted to result in the substitution of valine by isoleucine at codon 997, p.(Val997Ile).It is not present in the population database gnomAD v2.1.1, non cancer dataset (PM2_supporting). The SpliceAI algorithm predicts no significant impact on splicing and the REVEL meta-predictor score for this variant (0.135) suggests that it does not affect the protein function (BP4). In addition, the variant was also identified in the ClinVar (2x uncertain significance, 1x likely benign) but it has not been reported in LOVD database. Based on currently available information, the variant c.2989G>A is classified as an uncertain significance variant according to ClinGen-ATM Guidelines version v1.1.

Labcorp Genetics (formerly Invitae), Labcorp
Classification: Uncertain significance for Ataxia-telangiectasia syndrome. Last evaluated: 2024-04-02. Review status: criteria provided, single submitter. Criteria: Invitae Variant Classification Sherloc (09022015). Collection method: clinical testing. Allele origin: germline.
Comment: This sequence change replaces valine, which is neutral and non-polar, with isoleucine, which is neutral and non-polar, at codon 997 of the ATM protein (p.Val997Ile). This variant is present in population databases (no rsID available, gnomAD 0.003%). This variant has not been reported in the literature in individuals affected with ATM-related conditions. ClinVar contains an entry for this variant (Variation ID: 578134). Algorithms developed to predict the effect of missense changes on protein structure and function output the following: SIFT: "Not Available"; PolyPhen-2: "Benign"; Align-GVGD: "Not Available". The isoleucine amino acid residue is found in multiple mammalian species, which suggests that this missense change does not adversely affect protein function. In summary, the available evidence is currently insufficient to determine the role of this variant in disease. Therefore, it has been classified as a Variant of Uncertain Significance.

Color Diagnostics, LLC DBA Color Health
Classification: Uncertain significance for Hereditary cancer-predisposing syndrome. Last evaluated: 2023-12-05. Review status: criteria provided, single submitter. Criteria: ACMG Guidelines, 2015. Collection method: clinical testing. Allele origin: germline.
Comment: This missense variant replaces valine with isoleucine at codon 997 of the ATM protein. Computational prediction suggests that this variant may not impact protein structure and function (internally defined REVEL score threshold <= 0.5, PMID: 27666373). To our knowledge, functional studies have not been reported for this variant. This variant has not been reported in individuals affected with ATM-related disorders in the literature. This variant has not been identified in the general population by the Genome Aggregation Database (gnomAD). The available evidence is insufficient to determine the role of this variant in disease conclusively. Therefore, this variant is classified as a Variant of Uncertain Significance.

Ambry Genetics
Classification: Likely benign for Hereditary cancer-predisposing syndrome. Last evaluated: 2018-03-06. Review status: criteria provided, single submitter. Criteria: Ambry Variant Classification Scheme 2023. Collection method: clinical testing. Allele origin: germline.